The following is an entry in ClinVar:

ClinVar aggregate classification (germline): Conflicting classifications of pathogenicity. Review status: criteria provided, conflicting classifications (1 of 4 stars). 3 submissions from 3 submitters: Uncertain significance (1); Benign (1); Likely benign (1). Last evaluated 2025-12-12.

Conditions:
Inborn genetic diseases. Identifiers: MedGen C0950123, MeSH D030342.
Genitopatellar syndrome (GTPTS). Also called: Genitopatellar syndrome (GPS); ABSENT PATELLAE, SCROTAL HYPOPLASIA, RENAL ANOMALIES, FACIAL DYSMORPHISM, AND MENTAL RETARDATION. Identifiers: Orphanet 85201, MedGen C1853566, MONDO:0011640, OMIM 606170.

Allele frequency attached by ClinVar (database versions not stated): ExAC 0.00002; gnomAD exomes 0.00004; 1000 Genomes Project 30x 0.00016; gnomAD 0.00016 and 0.00019; 1000 Genomes Project 0.00020; TOPMed 0.00024.

Submissions (3):

Labcorp Genetics (formerly Invitae), Labcorp
Classification: Benign for Genitopatellar syndrome. Last evaluated: 2025-12-12. Review status: criteria provided, single submitter. Criteria: Invitae Variant Classification Sherloc (09022015). Collection method: clinical testing. Allele origin: germline.

Ambry Genetics
Classification: Likely benign for Inborn genetic diseases. Last evaluated: 2024-12-18. Review status: criteria provided, single submitter. Criteria: Ambry Variant Classification Scheme 2023. Collection method: clinical testing. Allele origin: germline.

ARUP Laboratories, Molecular Genetics and Genomics, ARUP Laboratories
Classification: Uncertain significance. Last evaluated: 2018-01-18. Review status: criteria provided, single submitter. Criteria: ARUP Molecular Germline Variant Investigation Process. Collection method: clinical testing. Allele origin: germline.
Comment: The KAT6B: c.625C>T; p.Arg209Cys variant (rs572706456), to our knowledge, is not reported in the medical literature, gene specific variation databases, nor has it been previously identified by our laboratory. This variant is listed in the genome Aggregation Database (gnomAD) with an overall population frequency of 0.006 % (identified on 18 out of 277,172 chromosomes). The arginine at position 209 is moderately conserved (considering 12 species, Alamut v.2.10.0) and computational analyses of the effects of the p.Arg209Cys variant on protein structure and function provide conflicting results (SIFT: tolerated, MutationTaster: disease causing, PolyPhen-2: probably damaging). Altogether, there is not enough evidence to classify the p.Arg209Cys variant with certainty.

NM_012330.4(KAT6B):c.625C>T (p.Arg209Cys)

Gene: KAT6B (lysine acetyltransferase 6B; plus strand). Cytogenetic location: 10q22.2.
Variant type: single nucleotide variant.
Coding change: c.625C>T on transcript NM_012330.4 (MANE Select); coding-DNA position 625, C replaced by T.
Protein change: p.Arg209Cys; replaces arginine 209 with cysteine.
Molecular consequence: missense variant. On other transcripts: synonymous variant (2).
Genome position (GRCh38, 1-based): chr10:74,959,973, C>T. VCF-style: chr10-74959973-C-T. GRCh37 (hg19) VCF-style: chr10-76719731-C-T.
Other names: c.625C>T (NM_012330.2); c.625C>T, p.Arg209Cys (NM_001256468.2, NM_001256469.2, NM_001370132.1 and 10 more transcripts); c.87C>T, p.Pro29= (NM_001370134.1, NM_001370135.1); short protein forms R209C.
Identifiers: ClinVar variation 618694 (VCV000618694.15), dbSNP rs572706456, ClinGen allele CA5564267.